The following is an entry in ClinVar:

NM_000208.4(INSR):c.3957G>C (p.Met1319Ile)

Gene: INSR (insulin receptor; minus strand). Cytogenetic location: 19p13.2.
Variant type: single nucleotide variant.
Coding change: c.3957G>C on transcript NM_000208.4 (MANE Select); coding-DNA position 3957, G replaced by C.
Protein change: p.Met1319Ile; replaces methionine 1319 with isoleucine.
Molecular consequence: missense variant.
Genome position (GRCh38, 1-based): chr19:7,117,248, C>G on the plus strand (G>C on the coding strand, the complement: INSR is on the minus strand). VCF-style: chr19-7117248-C-G. GRCh37 (hg19) VCF-style: chr19-7117259-C-G.
Other names: c.3921G>C, p.Met1307Ile (NM_001079817.3); short protein forms M1307I, M1319I.
Identifiers: ClinVar variation 1337699 (VCV001337699.5), dbSNP rs199599404, ClinGen allele CA9135113.

ClinVar aggregate classification (germline): Conflicting classifications of pathogenicity. Review status: criteria provided, conflicting classifications (1 of 4 stars). 2 submissions from 2 submitters: Uncertain significance (1); Likely benign (1). Last evaluated 2025-09-03.

Submissions (2):

Labcorp Genetics (formerly Invitae), Labcorp
Classification: Likely benign. Last evaluated: 2025-09-03. Review status: criteria provided, single submitter. Criteria: Invitae Variant Classification Sherloc (09022015). Collection method: clinical testing. Allele origin: germline.

Genetic Services Laboratory, University of Chicago
Classification: Uncertain significance. Last evaluated: 2020-08-10. Review status: criteria provided, single submitter. Criteria: ACMG Guidelines, 2015. Collection method: clinical testing. Allele origin: germline. Affected: no.
Comment: DNA sequence analysis of the INSR gene demonstrated a sequence change, c.3957G>C, in exon 22 that results in an amino acid change, p.Met1319Ile. This sequence change does not appear to have been previously described in patients with INSR-related disorders and has been described in the gnomAD database with a low population frequency of 0.075% in the South Asian subpopulation (dbSNP rs199599404). The p.Met1319Ile change affects a moderately conserved amino acid residue located in a domain of the INSR protein that is known to be functional. The p.Met1319Ile substitution appears to be benign using several in-silico pathogenicity prediction tools (SIFT, PolyPhen2, Align GVGD, REVEL).Due to these contrasting evidences and the lack of functional studies, the clinical significance of the p.Met1319Ile change remains unknown at this time.